The following is an entry in ClinVar:

ClinVar aggregate classification (germline): Pathogenic (1 of 4 stars; one submission).

Conditions:
DNA ligase IV deficiency. Identifiers: Orphanet 99812, MedGen C1847827, MONDO:0011686, OMIM 606593.

Submission:

Labcorp Genetics (formerly Invitae), Labcorp
Classification: Pathogenic for DNA ligase IV deficiency. Last evaluated: 2024-03-24. Review status: criteria provided, single submitter. Criteria: Invitae Variant Classification Sherloc (09022015). Collection method: clinical testing. Allele origin: germline.
Comment: This sequence change creates a premature translational stop signal (p.Pro674Serfs*15) in the LIG4 gene. While this is not anticipated to result in nonsense mediated decay, it is expected to disrupt the last 238 amino acid(s) of the LIG4 protein. This variant is not present in population databases (gnomAD no frequency). This variant has not been reported in the literature in individuals affected with LIG4-related conditions. This variant disrupts a region of the LIG4 protein in which other variant(s) (p.Arg814*) have been determined to be pathogenic (PMID: 11779494, 16088910, 24123394, 25239263, 27063650, 27612988). This suggests that this is a clinically significant region of the protein, and that variants that disrupt it are likely to be disease-causing. For these reasons, this variant has been classified as Pathogenic.

Literature cited by the submitters: PubMed 11779494; PubMed 16088910; PubMed 24123394; PubMed 25239263; PubMed 27063650; PubMed 27612988.

NM_206937.2(LIG4):c.2019_2022del (p.Pro674fs)

Gene: LIG4 (DNA ligase 4; minus strand). Cytogenetic location: 13q33.3.
Variant type: Microsatellite.
Coding change: c.2019_2022del on transcript NM_206937.2 (MANE Select); coding-DNA positions 2019 to 2022, 4 bases deleted (GCCA; older notation c.2019_2022delGCCA).
Protein change: p.Pro674fs; shifts the reading frame from proline 674.
Molecular consequence: frameshift variant.
Genome position (GRCh38, 1-based): chr13:108,209,247-108,209,250, TGGC deleted on the plus strand (GCCA on the coding strand, the reverse complement: LIG4 is on the minus strand); deleting any 4 consecutive bases within chr13:108,209,247-108,209,255 gives the same sequence; the c. name uses the placement nearest the transcript's 3' end. VCF-style (leftmost placement, unchanged base first): chr13-108209246-TTGGC-T. GRCh37 (hg19) VCF-style: chr13-108861594-TTGGC-T.
Other names: c.2019_2022del, p.Pro674fs (NM_001098268.2, NM_001352598.2, NM_001352599.2 and 6 more transcripts); c.1818_1821del, p.Pro607fs (NM_001330595.2); c.2055_2058del, p.Pro686fs (NM_001352604.2); short protein forms P607fs, P674fs, P686fs.
Identifiers: ClinVar variation 3647439 (VCV003647439.2).